The following is an entry in ClinVar:

NM_001278669.2(NFATC1):c.2056A>G (p.Ser686Gly)

Gene: NFATC1 (nuclear factor of activated T cells 1; plus strand). Cytogenetic location: 18q23.
Variant type: single nucleotide variant.
Coding change: c.2056A>G on transcript NM_001278669.2 (MANE Select); coding-DNA position 2056, A replaced by G.
Protein change: p.Ser686Gly; replaces serine 686 with glycine.
Molecular consequence: missense variant.
Genome position (GRCh38, 1-based): chr18:79,467,546, A>G. VCF-style: chr18-79467546-A-G. GRCh37 (hg19) VCF-style: chr18-77227546-A-G.
Other names: c.2056A>G, p.Ser686Gly (NM_001278670.2, NM_006162.5, NM_172390.3); c.2017A>G, p.Ser673Gly (NM_001278672.2, NM_001278675.2, NM_172387.3 and 1 more transcripts); c.640A>G, p.Ser214Gly (NM_001278673.2, NM_172388.3); short protein forms S686G, S673G, S214G.
Identifiers: ClinVar variation 3718118 (VCV003718118.2).

ClinVar aggregate classification (germline): Uncertain significance (1 of 4 stars; one submission).

gnomAD v4.1: 67 of 1,613,876 alleles (0.0042%); highest among the groups gnomAD compares: Non-Finnish European, 0.0054%; no homozygotes.

Submission:

Labcorp Genetics (formerly Invitae), Labcorp
Classification: Uncertain significance. Last evaluated: 2024-02-22. Review status: criteria provided, single submitter. Criteria: Invitae Variant Classification Sherloc (09022015). Collection method: clinical testing. Allele origin: germline.
Comment: This sequence change replaces serine, which is neutral and polar, with glycine, which is neutral and non-polar, at codon 686 of the NFATC1 protein (p.Ser686Gly). This variant is present in population databases (rs757467219, gnomAD 0.005%). This variant has not been reported in the literature in individuals affected with NFATC1-related conditions. An algorithm developed to predict the effect of missense changes on protein structure and function (PolyPhen-2) suggests that this variant is likely to be disruptive. In summary, the available evidence is currently insufficient to determine the role of this variant in disease. Therefore, it has been classified as a Variant of Uncertain Significance.